The following is an entry in ClinVar:

NM_182914.3(SYNE2):c.10844C>T (p.Pro3615Leu)

Gene: SYNE2 (spectrin repeat containing nuclear envelope protein 2; plus strand). Cytogenetic location: 14q23.2.
Variant type: single nucleotide variant.
Coding change: c.10844C>T on transcript NM_182914.3 (MANE Select); coding-DNA position 10844, C replaced by T.
Protein change: p.Pro3615Leu; replaces proline 3615 with leucine.
Molecular consequence: missense variant.
Genome position (GRCh38, 1-based): chr14:64,074,114, C>T. VCF-style: chr14-64074114-C-T. GRCh37 (hg19) VCF-style: chr14-64540832-C-T.
Other names: c.10844C>T, p.Pro3615Leu (NM_015180.6); short protein forms P3615L.
Identifiers: ClinVar variation 470915 (VCV000470915.8), dbSNP rs549458287, ClinGen allele CA7221618.

ClinVar aggregate classification (germline): Uncertain significance (1 of 4 stars; one submission).

Conditions:
Emery-Dreifuss muscular dystrophy 5, autosomal dominant (EDMD5). Also called: EMERY-DREIFUSS MUSCULAR DYSTROPHY 5. Identifiers: Orphanet 261, MedGen C2751805, MONDO:0013072, OMIM 612999.

Allele frequency attached by ClinVar (database versions not stated): ExAC 0.00002; gnomAD exomes 0.00002 and 0.00003; gnomAD 0.00004; TOPMed 0.00004.
gnomAD v4.1: 49 of 1,613,986 alleles (0.003%); highest among the groups gnomAD compares: Middle Eastern, 0.016%; no homozygotes.

Submission:

Labcorp Genetics (formerly Invitae), Labcorp
Classification: Uncertain significance for Emery-Dreifuss muscular dystrophy 5, autosomal dominant. Last evaluated: 2023-01-23. Review status: criteria provided, single submitter. Criteria: Invitae Variant Classification Sherloc (09022015). Collection method: clinical testing. Allele origin: germline.
Comment: This sequence change replaces proline, which is neutral and non-polar, with leucine, which is neutral and non-polar, at codon 3615 of the SYNE2 protein (p.Pro3615Leu). This variant is present in population databases (rs549458287, gnomAD 0.006%). This variant has not been reported in the literature in individuals affected with SYNE2-related conditions. ClinVar contains an entry for this variant (Variation ID: 470915). Algorithms developed to predict the effect of missense changes on protein structure and function are either unavailable or do not agree on the potential impact of this missense change (SIFT: "Tolerated"; PolyPhen-2: "Possibly Damaging"; Align-GVGD: "Class C0"). In summary, the available evidence is currently insufficient to determine the role of this variant in disease. Therefore, it has been classified as a Variant of Uncertain Significance.